The following is an entry in ClinVar:

ClinVar aggregate classification (germline): Uncertain significance (1 of 4 stars; one submission).

Submission:

Women's Health and Genetics/Laboratory Corporation of America, LabCorp
Classification: Uncertain significance. Last evaluated: 2024-12-17. Review status: criteria provided, single submitter. Criteria: LabCorp Variant Classification Summary - May 2015. Collection method: clinical testing. Allele origin: germline.
Comment: Variant summary: TTN c.17444C>A (p.Ala5815Asp) results in a non-conservative amino acid change in the encoded protein sequence. Two of three in-silico tools predict a damaging effect of the variant on protein function. The variant was absent in 247290 control chromosomes. The available data on variant occurrences in the general population are insufficient to allow any conclusion about variant significance. To our knowledge, no occurrence of c.17444C>A in individuals affected with Autosomal Recessive Titinopathy and no experimental evidence demonstrating its impact on protein function have been reported. No submitters have cited clinical-significance assessments for this variant to ClinVar. Based on the evidence outlined above, the variant was classified as uncertain significance.

NM_001267550.2(TTN):c.21176C>A (p.Ala7059Asp)

Genes: TTN (titin; minus strand), LOC126806428 (BRD4-independent group 4 enhancer GRCh37_chr2:179588362-179589561; plus strand). Cytogenetic location: 2q31.2.
Variant type: single nucleotide variant.
Coding change: c.21176C>A on transcript NM_001267550.2 (MANE Select); coding-DNA position 21176, C replaced by A.
Protein change: p.Ala7059Asp; replaces alanine 7059 with aspartic acid.
Molecular consequence: missense variant. On other transcripts: intron variant (3).
Genome position (GRCh38, 1-based): chr2:178,724,083, G>T on the plus strand (C>A on the coding strand, the complement: TTN is on the minus strand). VCF-style: chr2-178724083-G-T. GRCh37 (hg19) VCF-style: chr2-179588810-G-T.
Other names: c.20225C>A, p.Ala6742Asp (NM_001256850.1); c.17444C>A, p.Ala5815Asp (NM_133378.4); c.13282+13999C>A (NM_003319.4); c.13858+13999C>A (NM_133437.4); c.13657+13999C>A (NM_133432.3); short protein forms A5815D, A6742D, A7059D.
Identifiers: ClinVar variation 3768545 (VCV003768545.1).